The following is an entry in ClinVar:

NM_004204.5(PIGQ):c.1336-94C>T

Gene: PIGQ (phosphatidylinositol glycan anchor biosynthesis class Q; plus strand). Cytogenetic location: 16p13.3.
Variant type: single nucleotide variant.
Coding change: c.1336-94C>T on transcript NM_004204.5 (MANE Select); 94 bases into the intron before coding-DNA position 1336, C replaced by T.
Molecular consequence: intron variant.
Genome position (GRCh38, 1-based): chr16:580,089, C>T. VCF-style: chr16-580089-C-T. GRCh37 (hg19) VCF-style: chr16-630089-C-T.
Other names: c.1336-94C>T (NM_148920.4).
Identifiers: ClinVar variation 1185514 (VCV001185514.6), dbSNP rs7191939, ClinGen allele CA14235611.

ClinVar aggregate classification (germline): Benign. Review status: criteria provided, multiple submitters, no conflicts (2 of 4 stars). 4 submissions from 4 submitters: Benign (4). Last evaluated 2024-07-15.

Conditions:
Developmental and epileptic encephalopathy, 77. Also called: GLYCOSYLPHOSPHATIDYLINOSITOL BIOSYNTHESIS DEFECT 19; MULTIPLE CONGENITAL ANOMALIES-HYPOTONIA-SEIZURES SYNDROME 4; EPILEPTIC ENCEPHALOPATHY, EARLY INFANTILE, 77. Identifiers: MedGen C5231405, MONDO:0032808, OMIM 618548.

Allele frequency attached by ClinVar (database versions not stated): TOPMed 0.44616; gnomAD 0.44713 and 0.45582; 1000 Genomes Project 30x 0.52030; 1000 Genomes Project 0.52416.
gnomAD v4.1: 437,487 of 943,206 alleles (46%); highest among the groups gnomAD compares: East Asian, 68%; 104,852 homozygotes.

Submissions (4):

Unidad de Genómica Garrahan, Hospital de Pediatría Garrahan
Classification: Benign. Last evaluated: 2024-07-15. Review status: criteria provided, single submitter. Criteria: ACMG Guidelines, 2015. Collection method: clinical testing. Allele origin: germline. Affected: no. Observed: 54 variant alleles.
Comment: This variant is classified as Benign based on local population frequency. This variant was detected in 58% of patients studied in a panel designed for Epileptic and Developmental Encephalopathy and Progressive Myoclonus Epilepsy. Number of patients: 54. Only high quality variants are reported.

Genome-Nilou Lab
Classification: Benign for Developmental and epileptic encephalopathy, 77. Last evaluated: 2021-07-14. Review status: criteria provided, single submitter. Criteria: ACMG Guidelines, 2015. Collection method: clinical testing. Allele origin: germline. Affected: no.

GeneDx
Classification: Benign. Last evaluated: 2021-05-14. Review status: criteria provided, single submitter. Criteria: GeneDx Variant Classification Process June 2021. Collection method: clinical testing. Allele origin: germline. Affected: yes.

Breakthrough Genomics
Classification: Benign. Review status: criteria provided, single submitter. Criteria: ACMG Guidelines, 2015. Collection method: not provided. Allele origin: germline. Inheritance: Autosomal recessive inheritance. Affected: yes.